The following is an entry in ClinVar:

NM_003482.4(KMT2D):c.5904G>A (p.Glu1968=)

Gene: KMT2D (lysine methyltransferase 2D; minus strand). Cytogenetic location: 12q13.12.
Variant type: single nucleotide variant.
Coding change: c.5904G>A on transcript NM_003482.4 (MANE Select); coding-DNA position 5904, G replaced by A.
Protein change: p.Glu1968=; no amino-acid change (glutamic acid 1968 retained).
Molecular consequence: synonymous variant.
Genome position (GRCh38, 1-based): chr12:49,042,294, C>T on the plus strand (G>A on the coding strand, the complement: KMT2D is on the minus strand). VCF-style: chr12-49042294-C-T. GRCh37 (hg19) VCF-style: chr12-49436077-C-T.
Identifiers: ClinVar variation 3047691 (VCV003047691.2), dbSNP rs2498407580, ClinGen allele CA479712667.

ClinVar aggregate classification (germline): Likely benign (0 of 4 stars; one submission).

Conditions:
KMT2D-related disorder. Also called: KMT2D-Related Disorders.

Submission:

PreventionGenetics, part of Exact Sciences
Classification: Likely benign for KMT2D-related condition. Last evaluated: 2022-08-24. Review status: no assertion criteria provided. Collection method: clinical testing. Allele origin: germline.
Comment: This variant is classified as likely benign based on ACMG/AMP sequence variant interpretation guidelines (Richards et al. 2015 PMID: 25741868, with internal and published modifications).